The following is an entry in ClinVar:

ClinVar aggregate classification (germline): Uncertain significance (1 of 4 stars; one submission).

Submission:

GeneDx
Classification: Uncertain significance. Last evaluated: 2025-06-26. Review status: criteria provided, single submitter. Criteria: GeneDx Variant Classification Process June 2021. Collection method: clinical testing. Allele origin: germline. Affected: yes.
Comment: Not observed at significant frequency in large population cohorts (gnomAD); In silico analysis suggests that this missense variant does not alter protein structure/function; Has not been previously published as pathogenic or benign to our knowledge

NM_001349338.3(FOXP1):c.1799G>A (p.Ser600Asn)

Gene: FOXP1 (forkhead box P1; minus strand). Cytogenetic location: 3p13.
Variant type: single nucleotide variant.
Coding change: c.1799G>A on transcript NM_001349338.3 (MANE Select); coding-DNA position 1799, G replaced by A.
Protein change: p.Ser600Asn; replaces serine 600 with asparagine.
Molecular consequence: missense variant. On other transcripts: non-coding transcript variant (2).
Genome position (GRCh38, 1-based): chr3:70,965,980, C>T on the plus strand (G>A on the coding strand, the complement: FOXP1 is on the minus strand). VCF-style: chr3-70965980-C-T. GRCh37 (hg19) VCF-style: chr3-71015131-C-T.
Other names: c.1796G>A, p.Ser599Asn (NM_001244808.3, NM_001349341.3); c.1847G>A, p.Ser616Asn (NM_001244810.2); c.1571G>A, p.Ser524Asn (NM_001244812.3); c.1499G>A, p.Ser500Asn (NM_001244813.3, NM_001244815.2, NM_001349342.3); c.1799G>A, p.Ser600Asn (NM_001244814.3, NM_001244816.2, NM_001349340.3 and 1 more transcripts); c.1496G>A, p.Ser499Asn (NM_001349337.2, NM_001349343.3, NM_001349344.3 and 1 more transcripts); short protein forms S499N, S500N, S524N, S599N, S600N, S616N.
Identifiers: ClinVar variation 4539889 (VCV004539889.1).